The following is an entry in ClinVar:

ClinVar aggregate classification (germline): Likely benign. Review status: criteria provided, multiple submitters, no conflicts (2 of 4 stars). 4 submissions from 4 submitters: Likely benign (4). Last evaluated 2025-12-23.

Conditions:
TTLL5-related disorder. Also called: TTLL5-related condition.

Allele frequency attached by ClinVar (database versions not stated): ESP Exome Variant Server 0.00092; gnomAD 0.00054 and 0.00060; TOPMed 0.00063; ExAC 0.00078.
gnomAD v4.1: 1,192 of 1,614,118 alleles (0.074%); highest among the groups gnomAD compares: Non-Finnish European, 0.087%; no homozygotes.

Submissions (4):

Labcorp Genetics (formerly Invitae), Labcorp
Classification: Likely benign. Last evaluated: 2025-12-23. Review status: criteria provided, single submitter. Criteria: Invitae Variant Classification Sherloc (09022015). Collection method: clinical testing. Allele origin: germline.

PreventionGenetics, part of Exact Sciences
Classification: Likely benign for TTLL5-related condition. Last evaluated: 2024-11-27. Review status: criteria provided, single submitter. Criteria: ACMG Guidelines, 2015. Collection method: clinical testing. Allele origin: germline.
Comment: This variant is classified as likely benign based on ACMG/AMP sequence variant interpretation guidelines (Richards et al. 2015 PMID: 25741868, with internal and published modifications).

Blueprint Genetics
Classification: Likely benign. Last evaluated: 2024-08-13. Review status: criteria provided, single submitter. Criteria: ACMG Guidelines, 2015. Collection method: clinical testing. Allele origin: germline.

Breakthrough Genomics
Classification: Likely benign. Review status: criteria provided, single submitter. Criteria: ACMG Guidelines, 2015. Collection method: not provided. Allele origin: germline. Inheritance: Autosomal recessive inheritance. Affected: yes.

NM_015072.5(TTLL5):c.1897A>G (p.Asn633Asp)

Gene: TTLL5 (tubulin tyrosine ligase like 5; plus strand). Cytogenetic location: 14q24.3.
Variant type: single nucleotide variant.
Coding change: c.1897A>G on transcript NM_015072.5 (MANE Select); coding-DNA position 1897, A replaced by G.
Protein change: p.Asn633Asp; replaces asparagine 633 with aspartic acid.
Molecular consequence: missense variant.
Genome position (GRCh38, 1-based): chr14:75,766,250, A>G. VCF-style: chr14-75766250-A-G. GRCh37 (hg19) VCF-style: chr14-76232593-A-G.
Other names: short protein forms N633D.
Identifiers: ClinVar variation 732427 (VCV000732427.13), dbSNP rs141429300, ClinGen allele CA7279550.
Genomic context (GRCh38, chr14:75,766,250, plus strand): 5'-GAAAATCAAGCCAAATATACACCCTCATTGACAGCTTTGGTAGAAAATACACCCAAAGAA[A>G]ATTCCATGAAAGTTCGTGAATGGAATAATAAAGGTGGACACTGCTGCAAACTTGAGACTC-3'
Protein context (NP_055887.3, residues 623-643): TALVENTPKE[Asn633Asp]SMKVREWNNK